The following is an entry in ClinVar:

NM_138694.4(PKHD1):c.7163G>A (p.Gly2388Asp)

Gene: PKHD1 (PKHD1 ciliary IPT domain containing fibrocystin/polyductin; minus strand). Cytogenetic location: 6p12.2.
Variant type: single nucleotide variant.
Coding change: c.7163G>A on transcript NM_138694.4 (MANE Select); coding-DNA position 7163, G replaced by A.
Protein change: p.Gly2388Asp; replaces glycine 2388 with aspartic acid.
Molecular consequence: missense variant.
Genome position (GRCh38, 1-based): chr6:51,885,919, C>T on the plus strand (G>A on the coding strand, the complement: PKHD1 is on the minus strand). VCF-style: chr6-51885919-C-T. GRCh37 (hg19) VCF-style: chr6-51750717-C-T.
Other names: c.7163G>A, p.Gly2388Asp (NM_170724.3); short protein forms G2388D.
Identifiers: ClinVar variation 695442 (VCV000695442.18), dbSNP rs371830478, ClinGen allele CA3852029.

ClinVar aggregate classification (germline): Conflicting classifications of pathogenicity. Review status: criteria provided, conflicting classifications (1 of 4 stars). 4 submissions from 4 submitters: Uncertain significance (2); Likely benign (1). 1 of the submissions does not count toward it. Last evaluated 2026-01-20.

Conditions:
Autosomal recessive polycystic kidney disease (ARPKD). Also called: AR polycystic kidney disease. Identifiers: Orphanet 731, Orphanet 8378, MedGen C0085548, MeSH D017044, MONDO:0009889.
PKHD1-related disorder. Also called: PKHD1-related condition.
Polycystic kidney disease 4 (PKD4). Also called: PKD3; POLYCYSTIC KIDNEY AND HEPATIC DISEASE 1; POLYCYSTIC KIDNEY DISEASE, INFANTILE, TYPE I; POLYCYSTIC KIDNEY DISEASE 4 WITH OR WITHOUT POLYCYSTIC LIVER DISEASE; Autosomal Recessive Polycystic Kidney Disease – PKHD1. Identifiers: MedGen C4540575, MONDO:0033004, OMIM 263200.

Allele frequency attached by ClinVar (database versions not stated): gnomAD 0.00006 and 0.00011; gnomAD exomes 0.00007 and 0.00012; TOPMed 0.00007; ExAC 0.00011; ESP Exome Variant Server 0.00015.
gnomAD v4.1: 122 of 1,613,412 alleles (0.0076%); highest among the groups gnomAD compares: South Asian, 0.033%; no homozygotes.

Submissions (4):

Labcorp Genetics (formerly Invitae), Labcorp
Classification: Likely benign for Autosomal recessive polycystic kidney disease. Last evaluated: 2026-01-20. Review status: criteria provided, single submitter. Criteria: Invitae Variant Classification Sherloc (09022015). Collection method: clinical testing. Allele origin: germline.

Fulgent Genetics
Classification: Uncertain significance for Polycystic kidney disease 4. Last evaluated: 2024-05-15. Review status: criteria provided, single submitter. Criteria: ACMG Guidelines, 2015. Collection method: clinical testing. Allele origin: germline.

Illumina Laboratory Services, Illumina
Classification: Uncertain significance for Polycystic kidney disease 4. Last evaluated: 2018-01-12. Review status: criteria provided, single submitter. Criteria: ICSL Variant Classification Criteria 13 December 2019. Collection method: clinical testing. Allele origin: germline.

PreventionGenetics, part of Exact Sciences
Classification: Uncertain significance for PKHD1-related condition. Last evaluated: 2024-01-03. Review status: no assertion criteria provided. Collection method: clinical testing. Allele origin: germline. Not counted in ClinVar's aggregate classification.
Comment: The PKHD1 c.7163G>A variant is predicted to result in the amino acid substitution p.Gly2388Asp. To our knowledge, this variant has not been reported in the literature. This variant is reported in 0.22% of alleles in individuals of Ashkenazi Jewish descent in gnomAD. Although we suspect that this variant may be benign, at this time, the clinical significance of this variant is uncertain due to the absence of conclusive functional and genetic evidence.